The following is an entry in ClinVar:

ClinVar aggregate classification (germline): Uncertain significance (1 of 4 stars; one submission).

Allele frequency attached by ClinVar (database versions not stated): gnomAD exomes below 0.00001.
gnomAD v4.1: 5 of 1,614,036 alleles (0.00031%); highest among the groups gnomAD compares: Non-Finnish European, 0.00042%; no homozygotes.

Submission:

Labcorp Genetics (formerly Invitae), Labcorp
Classification: Uncertain significance. Last evaluated: 2024-10-28. Review status: criteria provided, single submitter. Criteria: Invitae Variant Classification Sherloc (09022015). Collection method: clinical testing. Allele origin: germline.
Comment: This sequence change replaces tyrosine, which is neutral and polar, with histidine, which is basic and polar, at codon 1435 of the ARID1A protein (p.Tyr1435His). This variant is not present in population databases (gnomAD no frequency). This variant has not been reported in the literature in individuals affected with ARID1A-related conditions. Invitae Evidence Modeling of protein sequence and biophysical properties (such as structural, functional, and spatial information, amino acid conservation, physicochemical variation, residue mobility, and thermodynamic stability) indicates that this missense variant is expected to disrupt ARID1A protein function with a positive predictive value of 80%. In summary, the available evidence is currently insufficient to determine the role of this variant in disease. Therefore, it has been classified as a Variant of Uncertain Significance.

NM_006015.6(ARID1A):c.4303T>C (p.Tyr1435His)

Gene: ARID1A (AT-rich interaction domain 1A; plus strand). Cytogenetic location: 1p36.11.
Variant type: single nucleotide variant.
Coding change: c.4303T>C on transcript NM_006015.6 (MANE Select); coding-DNA position 4303, T replaced by C.
Protein change: p.Tyr1435His; replaces tyrosine 1435 with histidine.
Molecular consequence: missense variant. On other transcripts: intron variant (1).
Genome position (GRCh38, 1-based): chr1:26,774,530, T>C. VCF-style: chr1-26774530-T-C. GRCh37 (hg19) VCF-style: chr1-27101021-T-C.
Other names: c.4102-450T>C (NM_139135.4); short protein forms Y1435H.
Identifiers: ClinVar variation 2856455 (VCV002856455.3), dbSNP rs2521995812, ClinGen allele CA339174331.